The following is an entry in ClinVar:

ClinVar aggregate classification (germline): Uncertain significance. Review status: criteria provided, multiple submitters, no conflicts (2 of 4 stars). 2 submissions from 2 submitters: Uncertain significance (2). Last evaluated 2025-06-16.

Allele frequency attached by ClinVar (database versions not stated): gnomAD exomes below 0.00001; TOPMed below 0.00001.
gnomAD v4.1: 3 of 1,211,298 alleles (0.00025%); highest among the groups gnomAD compares: Non-Finnish European, 0.00034%; no homozygotes.

Submissions (2):

GeneDx
Classification: Uncertain significance. Last evaluated: 2025-06-16. Review status: criteria provided, single submitter. Criteria: GeneDx Variant Classification Process June 2021. Collection method: clinical testing. Allele origin: germline. Affected: yes.
Comment: Has not been previously published as pathogenic or benign to our knowledge; Not observed at significant frequency in large population cohorts (gnomAD); In silico analysis suggests that this missense variant does not alter protein structure/function

Labcorp Genetics (formerly Invitae), Labcorp
Classification: Uncertain significance. Last evaluated: 2025-03-19. Review status: criteria provided, single submitter. Criteria: Invitae Variant Classification Sherloc (09022015). Collection method: clinical testing. Allele origin: germline.
Comment: This sequence change replaces valine, which is neutral and non-polar, with methionine, which is neutral and non-polar, at codon 550 of the CLCN4 protein (p.Val550Met). This variant is not present in population databases (gnomAD no frequency). This variant has not been reported in the literature in individuals affected with CLCN4-related conditions. ClinVar contains an entry for this variant (Variation ID: 546309). Invitae Evidence Modeling of protein sequence and biophysical properties (such as structural, functional, and spatial information, amino acid conservation, physicochemical variation, residue mobility, and thermodynamic stability) has been performed for this missense variant. However, the output from this modeling did not meet the statistical confidence thresholds required to predict the impact of this variant on CLCN4 protein function. In summary, the available evidence is currently insufficient to determine the role of this variant in disease. Therefore, it has been classified as a Variant of Uncertain Significance.

NM_001830.4(CLCN4):c.1648G>A (p.Val550Met)

Gene: CLCN4 (chloride voltage-gated channel 4; plus strand). Cytogenetic location: Xp22.2.
Variant type: single nucleotide variant.
Coding change: c.1648G>A on transcript NM_001830.4 (MANE Select); coding-DNA position 1648, G replaced by A.
Protein change: p.Val550Met; replaces valine 550 with methionine.
Molecular consequence: missense variant.
Genome position (GRCh38, 1-based): chrX:10,213,752, G>A. VCF-style: chrX-10213752-G-A. GRCh37 (hg19) VCF-style: chrX-10181792-G-A.
Other names: c.1366G>A, p.Val456Met (NM_001256944.2); short protein forms V550M, V456M.
Identifiers: ClinVar variation 546309 (VCV000546309.12), dbSNP rs1555977165, ClinGen allele CA412041606.